The following is an entry in ClinVar:

ClinVar aggregate classification (germline): Uncertain significance (1 of 4 stars; one submission).

Conditions:
Hereditary cancer-predisposing syndrome. Also called: Hereditary neoplastic syndrome; Tumor predisposition; Hereditary Cancer Syndrome; Neoplastic Syndromes, Hereditary. Identifiers: Orphanet 140162, MedGen C0027672, MeSH D009386, MONDO:0015356.

Submission:

Ambry Genetics
Classification: Uncertain significance for Hereditary cancer-predisposing syndrome. Last evaluated: 2023-09-10. Review status: criteria provided, single submitter. Criteria: Ambry Variant Classification Scheme 2023. Collection method: clinical testing. Allele origin: germline.
Comment: The p.A1087P variant (also known as c.3259G>C), located in coding exon 23 of the MSH3 gene, results from a G to C substitution at nucleotide position 3259. The alanine at codon 1087 is replaced by proline, an amino acid with highly similar properties. This amino acid position is conserved. In addition, the in silico prediction for this alteration is inconclusive. Since supporting evidence is limited at this time, the clinical significance of this alteration remains unclear.

NM_002439.5(MSH3):c.3259G>C (p.Ala1087Pro)

Gene: MSH3 (mutS homolog 3; plus strand). Cytogenetic location: 5q14.1.
Variant type: single nucleotide variant.
Coding change: c.3259G>C on transcript NM_002439.5 (MANE Select); coding-DNA position 3259, G replaced by C.
Protein change: p.Ala1087Pro; replaces alanine 1087 with proline.
Molecular consequence: missense variant.
Genome position (GRCh38, 1-based): chr5:80,873,244, G>C. VCF-style: chr5-80873244-G-C. GRCh37 (hg19) VCF-style: chr5-80169063-G-C.
Other names: short protein forms A1087P.
Identifiers: ClinVar variation 2586088 (VCV002586088.2), dbSNP rs2478805433, ClinGen allele CA360347049.